The following is an entry in ClinVar:

ClinVar aggregate classification (germline): Likely benign (1 of 4 stars; one submission).

Allele frequency attached by ClinVar (database versions not stated): ExAC 0.00001.

Submission:

CeGaT Center for Human Genetics Tuebingen
Classification: Likely benign. Last evaluated: 2024-12-01. Review status: criteria provided, single submitter. Criteria: CeGaT Center For Human Genetics Tuebingen Variant Classification Criteria Version 2. Collection method: clinical testing. Allele origin: germline. Affected: yes. Observed: 3 variant alleles.
Comment: BICRA: BP4, BP7

NM_001394372.1(BICRA):c.2799A>C (p.Ala933=)

Gene: BICRA (BRD4 interacting chromatin remodeling complex associated protein; plus strand). Cytogenetic location: 19q13.33.
Variant type: single nucleotide variant.
Coding change: c.2799A>C on transcript NM_001394372.1 (MANE Select); coding-DNA position 2799, A replaced by C.
Protein change: p.Ala933=; no amino-acid change (alanine 933 retained).
Molecular consequence: synonymous variant.
Genome position (GRCh38, 1-based): chr19:47,694,630, A>C. VCF-style: chr19-47694630-A-C. GRCh37 (hg19) VCF-style: chr19-48197887-A-C.
Other names: c.2799A>C, p.Ala933= (NM_015711.3).
Identifiers: ClinVar variation 2578836 (VCV002578836.25), dbSNP rs775380612, ClinGen allele CA9541989.